The following is an entry in ClinVar:

ClinVar aggregate classification (germline): Uncertain significance (1 of 4 stars; one submission).

gnomAD v4.1: 1 of 1,614,110 alleles (0.000062%); highest among the groups gnomAD compares: Non-Finnish European, 0.000085%; no homozygotes.

Submission:

Labcorp Genetics (formerly Invitae), Labcorp
Classification: Uncertain significance. Last evaluated: 2024-02-24. Review status: criteria provided, single submitter. Criteria: Invitae Variant Classification Sherloc (09022015). Collection method: clinical testing. Allele origin: germline.
Comment: This sequence change replaces proline, which is neutral and non-polar, with histidine, which is basic and polar, at codon 275 of the COL18A1 protein (p.Pro275His). The frequency data for this variant in the population databases is considered unreliable, as metrics indicate poor data quality at this position in the gnomAD database. This variant has not been reported in the literature in individuals affected with COL18A1-related conditions. Experimental studies and prediction algorithms are not available or were not evaluated, and the functional significance of this variant is currently unknown. In summary, the available evidence is currently insufficient to determine the role of this variant in disease. Therefore, it has been classified as a Variant of Uncertain Significance.

NM_001379500.1(COL18A1):c.824C>A (p.Pro275His)

Gene: COL18A1 (collagen type XVIII alpha 1 chain; plus strand). Cytogenetic location: 21q22.3.
Variant type: single nucleotide variant.
Coding change: c.824C>A on transcript NM_001379500.1 (MANE Select); coding-DNA position 824, C replaced by A.
Protein change: p.Pro275His; replaces proline 275 with histidine.
Molecular consequence: missense variant.
Genome position (GRCh38, 1-based): chr21:45,476,376, C>A. VCF-style: chr21-45476376-C-A. GRCh37 (hg19) VCF-style: chr21-46896290-C-A.
Other names: c.1364C>A, p.Pro455His (NM_030582.4); c.2069C>A, p.Pro690His (NM_130444.3); short protein forms P275H, P455H, P690H.
Identifiers: ClinVar variation 3690180 (VCV003690180.2).